The following is an entry in ClinVar:

NM_001009944.3(PKD1):c.479_486dup (p.Gly163fs)

Gene: PKD1 (polycystin 1, transient receptor potential channel interacting; minus strand). Cytogenetic location: 16p13.3.
Variant type: Duplication.
Coding change: c.479_486dup on transcript NM_001009944.3 (MANE Select); coding-DNA positions 479 to 486, 8 bases duplicated (CCCTGGCT; older notation c.479_486dupCCCTGGCT).
Protein change: p.Gly163fs; shifts the reading frame from glycine 163.
Molecular consequence: frameshift variant.
Genome position (GRCh38, 1-based): chr16:2,118,719-2,118,726, AGCCAGGG duplicated on the plus strand (CCCTGGCT on the coding strand, the reverse complement: PKD1 is on the minus strand); duplicating any 8 consecutive bases within chr16:2,118,719-2,118,733 gives the same sequence; the c. name uses the placement nearest the transcript's 3' end. VCF-style (leftmost placement, unchanged base first): chr16-2118718-C-CAGCCAGGG. GRCh37 (hg19) VCF-style: chr16-2168719-C-CAGCCAGGG.
Other names: c.479_486dup, p.Gly163fs (NM_000296.4); c.479_486dup8 (NM_001009944.2); short protein forms G163fs.
Identifiers: ClinVar variation 3347394 (VCV003347394.1).

ClinVar aggregate classification (germline): Likely pathogenic (0 of 4 stars; one submission).

Conditions:
PKD1-related disorder. Also called: PKD1-related condition.

Submission:

PreventionGenetics, part of Exact Sciences
Classification: Likely pathogenic for PKD1-related condition. Last evaluated: 2024-05-20. Review status: no assertion criteria provided. Collection method: clinical testing. Allele origin: germline.
Comment: The PKD1 c.479_486dup8 variant is predicted to result in a frameshift and premature protein termination (p.Gly163Profs*130). To our knowledge, this variant has not been reported in the literature or in a large population database, indicating this variant is rare. Frameshift variants in PKD1 are expected to be pathogenic. This variant is interpreted as likely pathogenic.